The following is an entry in ClinVar:

NM_001378120.1(MBD5):c.398A>G (p.Asn133Ser)

Gene: MBD5 (methyl-CpG binding domain protein 5; plus strand). Cytogenetic location: 2q23.1.
Variant type: single nucleotide variant.
Coding change: c.398A>G on transcript NM_001378120.1 (MANE Select); coding-DNA position 398, A replaced by G.
Protein change: p.Asn133Ser; replaces asparagine 133 with serine.
Molecular consequence: missense variant.
Genome position (GRCh38, 1-based): chr2:148,468,341, A>G. VCF-style: chr2-148468341-A-G. GRCh37 (hg19) VCF-style: chr2-149225910-A-G.
Other names: c.398A>G, p.Asn133Ser (NM_018328.5); short protein forms N133S.
Identifiers: ClinVar variation 3708816 (VCV003708816.2).

ClinVar aggregate classification (germline): Uncertain significance (1 of 4 stars; one submission).

Conditions:
Intellectual developmental disorder, autosomal dominant 1. Also called: MBD5 Haploinsufficiency; Intellectual disability, autosomal dominant 1. Identifiers: Orphanet 228402, MedGen C1969562, MONDO:0007974, OMIM 156200.

Submission:

Labcorp Genetics (formerly Invitae), Labcorp
Classification: Uncertain significance for Intellectual developmental disorder, autosomal dominant 1. Last evaluated: 2024-07-23. Review status: criteria provided, single submitter. Criteria: Invitae Variant Classification Sherloc (09022015). Collection method: clinical testing. Allele origin: germline.
Comment: This sequence change replaces asparagine, which is neutral and polar, with serine, which is neutral and polar, at codon 133 of the MBD5 protein (p.Asn133Ser). This variant is not present in population databases (gnomAD no frequency). This variant has not been reported in the literature in individuals affected with MBD5-related conditions. An algorithm developed to predict the effect of missense changes on protein structure and function outputs the following: PolyPhen-2: "Possibly Damaging". The serine amino acid residue is found in multiple mammalian species, which suggests that this missense change does not adversely affect protein function. In summary, the available evidence is currently insufficient to determine the role of this variant in disease. Therefore, it has been classified as a Variant of Uncertain Significance.